The following is an entry in ClinVar:

NM_001374353.1(GLI2):c.1442C>T (p.Thr481Met)

Gene: GLI2 (GLI family zinc finger 2; plus strand). Cytogenetic location: 2q14.2.
Variant type: single nucleotide variant.
Coding change: c.1442C>T on transcript NM_001374353.1 (MANE Select); coding-DNA position 1442, C replaced by T.
Protein change: p.Thr481Met; replaces threonine 481 with methionine.
Molecular consequence: missense variant.
Genome position (GRCh38, 1-based): chr2:120,978,558, C>T. VCF-style: chr2-120978558-C-T. GRCh37 (hg19) VCF-style: chr2-121736134-C-T.
Other names: c.1493C>T, p.Thr498Met (NM_001371271.1, NM_005270.5); c.1067C>T, p.Thr356Met (NM_001374354.1); short protein forms T356M, T481M, T498M.
Identifiers: ClinVar variation 3371826 (VCV003371826.1).

ClinVar aggregate classification (germline): Uncertain significance (1 of 4 stars; one submission).

gnomAD v4.1: 4 of 1,613,910 alleles (0.00025%); highest among the groups gnomAD compares: Non-Finnish European, 0.00025%; no homozygotes.

Submission:

GeneDx
Classification: Uncertain significance. Last evaluated: 2024-04-17. Review status: criteria provided, single submitter. Criteria: GeneDx Variant Classification Process June 2021. Collection method: clinical testing. Allele origin: germline. Affected: yes.
Comment: Not observed at significant frequency in large population cohorts (gnomAD); In silico analysis supports that this missense variant has a deleterious effect on protein structure/function; Has not been previously published as pathogenic or benign to our knowledge